The following is an entry in ClinVar:

NM_015937.6(PIGT):c.784C>T (p.Arg262Trp)

Gene: PIGT (phosphatidylinositol glycan anchor biosynthesis class T; plus strand). Cytogenetic location: 20q13.12.
Variant type: single nucleotide variant.
Coding change: c.784C>T on transcript NM_015937.6 (MANE Select); coding-DNA position 784, C replaced by T.
Protein change: p.Arg262Trp; replaces arginine 262 with tryptophan.
Molecular consequence: missense variant. On other transcripts: non-coding transcript variant (5).
Genome position (GRCh38, 1-based): chr20:45,420,346, C>T. VCF-style: chr20-45420346-C-T. GRCh37 (hg19) VCF-style: chr20-44048986-C-T.
Other names: c.616C>T, p.Arg206Trp (NM_001184728.3); c.784C>T, p.Arg262Trp (NM_001184729.3); c.478C>T, p.Arg160Trp (NM_001184730.3); c.784C>T (NM_015937.5); short protein forms R206W, R160W, R262W.
Identifiers: ClinVar variation 2210247 (VCV002210247.3), dbSNP rs754145899, ClinGen allele CA9878055.

ClinVar aggregate classification (germline): Uncertain significance. Review status: criteria provided, multiple submitters, no conflicts (2 of 4 stars). 2 submissions from 2 submitters: Uncertain significance (2). Last evaluated 2024-06-24.

Conditions:
Inborn genetic diseases. Identifiers: MedGen C0950123, MeSH D030342.

Allele frequency attached by ClinVar (database versions not stated): gnomAD exomes 0.00004; TOPMed 0.00005; ExAC 0.00006; gnomAD 0.00006.

Submissions (2):

GeneDx
Classification: Uncertain significance. Last evaluated: 2024-06-24. Review status: criteria provided, single submitter. Criteria: GeneDx Variant Classification Process June 2021. Collection method: clinical testing. Allele origin: germline. Affected: yes.
Comment: Not observed at significant frequency in large population cohorts (gnomAD); In silico analysis supports that this missense variant has a deleterious effect on protein structure/function; Has not been previously published as pathogenic or benign to our knowledge

Ambry Genetics
Classification: Uncertain significance for Inborn genetic diseases. Last evaluated: 2021-11-08. Review status: criteria provided, single submitter. Criteria: Ambry Variant Classification Scheme 2023. Collection method: clinical testing. Allele origin: germline.